The following is an entry in ClinVar:

ClinVar aggregate classification (germline): Uncertain significance (1 of 4 stars; one submission).

Conditions:
Charcot-Marie-Tooth disease, type I (CMT1). Also called: Charcot-Marie-Tooth, Type 1; Charcot-Marie-Tooth disease type 1. Identifiers: Orphanet 65753, MedGen C0751036, MONDO:0019011.

Submission:

Labcorp Genetics (formerly Invitae), Labcorp
Classification: Uncertain significance for Charcot-Marie-Tooth disease, type I. Last evaluated: 2026-01-18. Review status: criteria provided, single submitter. Criteria: Invitae Variant Classification Sherloc (09022015). Collection method: clinical testing. Allele origin: germline.
Comment: This sequence change replaces alanine, which is neutral and non-polar, with threonine, which is neutral and polar, at codon 32 of the EGR2 protein (p.Ala32Thr). This variant is not present in population databases (gnomAD no frequency). This variant has not been reported in the literature in individuals affected with EGR2-related conditions. Invitae Evidence Modeling of protein sequence and biophysical properties (such as structural, functional, and spatial information, amino acid conservation, physicochemical variation, residue mobility, and thermodynamic stability) indicates that this missense variant is not expected to disrupt EGR2 protein function with a negative predictive value of 80%. In summary, the available evidence is currently insufficient to determine the role of this variant in disease. Therefore, it has been classified as a Variant of Uncertain Significance.

NM_000399.5(EGR2):c.94G>A (p.Ala32Thr)

Gene: EGR2 (early growth response 2; minus strand). Cytogenetic location: 10q21.3.
Variant type: single nucleotide variant.
Coding change: c.94G>A on transcript NM_000399.5 (MANE Select); coding-DNA position 94, G replaced by A.
Protein change: p.Ala32Thr; replaces alanine 32 with threonine.
Molecular consequence: missense variant. On other transcripts: 5 prime UTR variant (2).
Genome position (GRCh38, 1-based): chr10:62,815,936, C>T on the plus strand (G>A on the coding strand, the complement: EGR2 is on the minus strand). VCF-style: chr10-62815936-C-T. GRCh37 (hg19) VCF-style: chr10-64575696-C-T.
Other names: c.94G>A, p.Ala32Thr (NM_001136177.3, NM_001136178.2); c.-57G>A (NM_001136179.3, NM_001321037.2); c.133G>A, p.Ala45Thr (NM_001410931.1); short protein forms A45T, A32T.
Identifiers: ClinVar variation 4701526 (VCV004701526.1).
Genomic context (GRCh38, chr10:62,815,936, plus strand): 5'-TCATCTGGTCAAAGGGGCCTCCCAGTTCGGCATTGGGAAAGATGGTCACCGACGTGGCGG[C>T]GAGGTCCTCCACCGGGTAGATGTTGTCAGACAGCTGGTGCACAAAACCACTGAGAGTTAC-3'
Protein context (NP_000390.2, residues 22-42): SDNIYPVEDL[Ala32Thr]ATSVTIFPNA